The following is an entry in ClinVar:

ClinVar aggregate classification (germline): Benign. Review status: criteria provided, multiple submitters, no conflicts (2 of 4 stars). 8 submissions from 8 submitters: Benign (6). 2 of the submissions do not count toward it. Last evaluated 2026-02-04.

Conditions:
Epidermodysplasia verruciformis. Identifiers: Orphanet 302, MedGen C0014522, MONDO:0009176.

Allele frequency attached by ClinVar (database versions not stated): gnomAD exomes 0.22521 and 0.23835; ESP Exome Variant Server 0.27320; gnomAD 0.28917 and 0.29034; TOPMed 0.29494; ExAC 0.32117; 1000 Genomes Project 0.33486; 1000 Genomes Project 30x 0.33698.

Submissions (8):

Labcorp Genetics (formerly Invitae), Labcorp
Classification: Benign for Epidermodysplasia verruciformis. Last evaluated: 2026-02-04. Review status: criteria provided, single submitter. Criteria: Invitae Variant Classification Sherloc (09022015). Collection method: clinical testing. Allele origin: germline.

Blueprint Genetics
Classification: Benign. Last evaluated: 2024-11-28. Review status: criteria provided, single submitter. Criteria: ACMG Guidelines, 2015. Collection method: clinical testing. Allele origin: germline.

Unidad de Genómica Garrahan, Hospital de Pediatría Garrahan
Classification: Benign. Last evaluated: 2024-01-24. Review status: criteria provided, single submitter. Criteria: ACMG Guidelines, 2015. Collection method: clinical testing. Allele origin: germline. Affected: no. Observed: 31 variant alleles.
Comment: This variant is classified as Benign based on local population frequency. This variant was detected in 35% of patients studied by a panel of primary immunodeficiencies. Number of patients: 31. Only high quality variants are reported.

GeneDx
Classification: Benign. Last evaluated: 2018-07-09. Review status: criteria provided, single submitter. Criteria: GeneDx Variant Classification Process June 2021. Collection method: clinical testing. Allele origin: germline. Affected: yes.

Laboratory for Molecular Medicine, Mass General Brigham Personalized Medicine
Classification: Benign. Last evaluated: 2016-03-29. Review status: criteria provided, single submitter. Criteria: LMM Criteria. Collection method: clinical testing. Allele origin: germline.
Comment: Variant identified in a genome or exome case(s) and assessed due to predicted null impact of the variant or pathogenic assertions in the literature or databases. Disclaimer: This variant has not undergone full assessment. The following are preliminary notes: Frequency

Breakthrough Genomics
Classification: Benign. Review status: criteria provided, single submitter. Criteria: ACMG Guidelines, 2015. Collection method: not provided. Allele origin: germline. Inheritance: Autosomal recessive inheritance. Affected: yes.

Diagnostic Laboratory, Department of Genetics, University Medical Center Groningen
Classification: Benign. Review status: no assertion criteria provided. Collection method: clinical testing. Allele origin: germline. Affected: yes. Study: VKGL Data-share Consensus. Not counted in ClinVar's aggregate classification.

Joint Genome Diagnostic Labs from Nijmegen and Maastricht, Radboudumc and MUMC+
Classification: Benign. Review status: no assertion criteria provided. Collection method: clinical testing. Allele origin: germline. Affected: yes. Study: VKGL Data-share Consensus. Not counted in ClinVar's aggregate classification.

NM_001127198.5(TMC6):c.373T>C (p.Trp125Arg)

Gene: TMC6 (transmembrane channel like 6; minus strand). Cytogenetic location: 17q25.3.
Variant type: single nucleotide variant.
Coding change: c.373T>C on transcript NM_001127198.5 (MANE Select); coding-DNA position 373, T replaced by C.
Protein change: p.Trp125Arg; replaces tryptophan 125 with arginine.
Molecular consequence: missense variant.
Genome position (GRCh38, 1-based): chr17:78,125,783, A>G on the plus strand (T>C on the coding strand, the complement: TMC6 is on the minus strand). VCF-style: chr17-78125783-A-G. GRCh37 (hg19) VCF-style: chr17-76121864-A-G.
Other names: c.373T>C, p.Trp125Arg (NM_001321185.1, NM_001374593.1, NM_001374594.1 and 4 more transcripts); short protein forms W125R.
Identifiers: ClinVar variation 403546 (VCV000403546.25), dbSNP rs2748427, ClinGen allele CA8796147.